The following is an entry in ClinVar:

NM_001165963.4(SCN1A):c.1259C>A (p.Ala420Asp)

Gene: SCN1A (sodium voltage-gated channel alpha subunit 1; minus strand). Cytogenetic location: 2q24.3.
Variant type: single nucleotide variant.
Coding change: c.1259C>A on transcript NM_001165963.4 (MANE Select); coding-DNA position 1259, C replaced by A.
Protein change: p.Ala420Asp; replaces alanine 420 with aspartic acid.
Molecular consequence: missense variant. On other transcripts: 5 prime UTR variant (1), non-coding transcript variant (1).
Genome position (GRCh38, 1-based): chr2:166,046,888, G>T on the plus strand (C>A on the coding strand, the complement: SCN1A is on the minus strand). VCF-style: chr2-166046888-G-T. GRCh37 (hg19) VCF-style: chr2-166903398-G-T.
Other names: c.1259C>A, p.Ala420Asp (NM_001165964.3, NM_001202435.3, NM_001353948.2 and 10 more transcripts); c.-1167C>A (NM_001353961.2); short protein forms A420D.
Identifiers: ClinVar variation 283002 (VCV000283002.7), dbSNP rs794726826, ClinGen allele CA10604364.

ClinVar aggregate classification (germline): Conflicting classifications of pathogenicity. Review status: criteria provided, conflicting classifications (1 of 4 stars). 3 submissions from 3 submitters: Pathogenic (1); Likely pathogenic (1); Uncertain significance (1). Last evaluated 2025-12-18.

Conditions:
Developmental and epileptic encephalopathy 6B. Also called: Developmental and epileptic encephalopathy 6B, non-Dravet. Identifiers: MedGen C5543353, MONDO:0030268, OMIM 619317.
Epilepsy. Also called: Seizure disorder. Identifiers: MedGen C0014544, MeSH D004827, MONDO:0005027.

Submissions (3):

Cytogénomique, Hospices Civils de Lyon
Classification: Pathogenic for Epilepsy. Last evaluated: 2025-12-18. Review status: criteria provided, single submitter. Criteria: ACMG Guidelines, 2015. Collection method: clinical testing. Allele origin: germline. Affected: yes.

Breda Genetics srl
Classification: Likely pathogenic for Developmental and epileptic encephalopathy 6B. Last evaluated: 2021-08-24. Review status: criteria provided, single submitter. Criteria: ACMG Guidelines, 2015. Collection method: clinical testing. Allele origin: de novo. Inheritance: Autosomal dominant inheritance. Affected: yes. Observed: 1 variant allele, 1 heterozygote.
Comment: The variant c.1259C>A (p.Ala420Asp) in the SCN1A gene is reported as uncertain in ClinVar (Variation ID:283002). The variant has been reported as likely pathogenic by Butler et al. (2017) in a patient with epilepsy whose detailed phenotype was not available. Furthermore, the variant falls into a region rich in missense mutations reported as pathogenic or likely pathogenic (Clinvar), one of which affects the same nucelotide, causing a different amino acid change (c.1259C>T, p.Ala420Val, Clinvar variation ID:189996). There is no information on frequency in gnomAD database. The nucleotide position is conserved across 35 mammalian species(GERP RS: 5.31). In silico analysis indicates that the variant might be damaging.

Eurofins Ntd Llc (ga)
Classification: Uncertain significance. Last evaluated: 2015-08-28. Review status: criteria provided, single submitter. Criteria: EGL Classification Definitions 2015. Collection method: clinical testing. Allele origin: germline. Observed: 1 variant allele, 1 heterozygote.

Literature cited by the submitters: PubMed 29056246 (cited by Breda Genetics srl).